The following is an entry in ClinVar:

NM_001267550.2(TTN):c.66227G>A (p.Trp22076Ter)

Genes: TTN (titin; minus strand), TTN-AS1 (TTN antisense RNA 1; plus strand). Cytogenetic location: 2q31.2.
Variant type: single nucleotide variant.
Coding change: c.66227G>A on transcript NM_001267550.2 (MANE Select); coding-DNA position 66227, G replaced by A.
Protein change: p.Trp22076Ter; replaces tryptophan 22076 with a stop codon.
Molecular consequence: nonsense.
Genome position (GRCh38, 1-based): chr2:178,582,142, C>T on the plus strand (G>A on the coding strand, the complement: TTN is on the minus strand). VCF-style: chr2-178582142-C-T. GRCh37 (hg19) VCF-style: chr2-179446869-C-T.
Other names: c.61304G>A, p.Trp20435Ter (NM_001256850.1); c.39032G>A, p.Trp13011Ter (NM_003319.4); c.58523G>A, p.Trp19508Ter (NM_133378.4); c.39407G>A, p.Trp13136Ter (NM_133432.3); c.39608G>A, p.Trp13203Ter (NM_133437.4); short protein forms W22076*, W13011*, W13136*, W13203*, W20435*, W19508*.
Identifiers: ClinVar variation 4785772 (VCV004785772.1).
Genomic context (GRCh38, chr2:178,582,142, plus strand): 5'-TCCCGCTTTTCAAGCAAATAGCCAGTGATGGGTGAGCCCCCATCATCTGCTGGTGGCTTC[C>T]AGCTGACTGTCATGTGATCTTTGGTTATGTTGCTAATAACAGGAGGATCACAGCGTCCTG-3'

ClinVar aggregate classification (germline): Likely pathogenic (1 of 4 stars; one submission).

Conditions:
Autosomal recessive limb-girdle muscular dystrophy type 2J (LGMDR10). Also called: Limb-girdle muscular dystrophy, type 2J; MUSCULAR DYSTROPHY, LIMB-GIRDLE, AUTOSOMAL RECESSIVE 10. Identifiers: Orphanet 140922, MedGen C1837342, MONDO:0012127, OMIM 608807.
Dilated cardiomyopathy 1G (CMD1G). Identifiers: Orphanet 154, MedGen C1858763, MONDO:0011400, OMIM 604145.

Submission:

Labcorp Genetics (formerly Invitae), Labcorp
Classification: Likely pathogenic for Dilated cardiomyopathy 1G; Autosomal recessive limb-girdle muscular dystrophy type 2J. Last evaluated: 2025-08-03. Review status: criteria provided, single submitter. Criteria: Invitae Variant Classification Sherloc (09022015). Collection method: clinical testing. Allele origin: germline.
Comment: This sequence change creates a premature translational stop signal (p.Trp22076*) in the TTN gene. While this is not anticipated to result in nonsense mediated decay, it is expected to create a truncated TTN protein. This variant is not present in population databases (gnomAD no frequency). This variant has not been reported in the literature in individuals affected with TTN-related conditions. This variant is located in the A band of TTN (PMID: 25589632). Truncating variants in this region are significantly overrepresented in patients affected with dilated cardiomyopathy (PMID: 25589632). Truncating variants in this region have also been reported in individuals affected with autosomal recessive centronuclear myopathy (PMID: 23975875). In summary, the currently available evidence indicates that the variant is pathogenic, but additional data are needed to prove that conclusively. Therefore, this variant has been classified as Likely Pathogenic.

Literature cited by the submitters: PubMed 25589632; PubMed 23975875.